The following is an entry in ClinVar:

NM_001369.3(DNAH5):c.7271_7272insGTCTCTTATACACA (p.Arg2425fs)

Gene: DNAH5 (dynein axonemal heavy chain 5; minus strand). Cytogenetic location: 5p15.2.
Variant type: Insertion.
Coding change: c.7271_7272insGTCTCTTATACACA on transcript NM_001369.3 (MANE Select); coding-DNA positions 7271 to 7272, GTCTCTTATACACA inserted.
Protein change: p.Arg2425fs; shifts the reading frame from arginine 2425.
Molecular consequence: frameshift variant.
Genome position: GRCh38 VCF-style: chr5-13811782-A-ATGTGTATAAGAGAC. GRCh37 (hg19) VCF-style: chr5-13811891-A-ATGTGTATAAGAGAC.
Other names: short protein forms R2425fs.
Identifiers: ClinVar variation 5010351 (VCV005010351.1).

ClinVar aggregate classification (germline): Pathogenic (1 of 4 stars; one submission).

Conditions:
Primary ciliary dyskinesia 3. Identifiers: Orphanet 244, MedGen C1837618, MONDO:0012085, OMIM 608644.

Submission:

Myriad Genetics, Inc.
Classification: Pathogenic for Primary ciliary dyskinesia 3. Last evaluated: 2024-05-14. Review status: criteria provided, single submitter. Criteria: Myriad Autosomal Dominant, Autosomal Recessive and X-Linked Classification Criteria (2023). Collection method: clinical testing. Allele origin: unknown.
Comment: NM_001369.2(DNAH5):c.7271_7272ins14(R2425Sfs*24) is expected to be pathogenic in the context of primary ciliary dyskinesia, DNAH5-related. This variant is predicted to lead to an abnormal or absent protein product due to the creation of a premature termination codon in DNAH5, a gene where loss-of-function variants are known to be pathogenic. Please note: this variant was assessed in the context of healthy population screening.